The following is an entry in ClinVar:

NM_004415.4(DSP):c.1394C>G (p.Ala465Gly)

Gene: DSP (desmoplakin; plus strand). Cytogenetic location: 6p24.3.
Variant type: single nucleotide variant.
Coding change: c.1394C>G on transcript NM_004415.4 (MANE Select); coding-DNA position 1394, C replaced by G.
Protein change: p.Ala465Gly; replaces alanine 465 with glycine.
Molecular consequence: missense variant.
Genome position (GRCh38, 1-based): chr6:7,568,564, C>G. VCF-style: chr6-7568564-C-G. GRCh37 (hg19) VCF-style: chr6-7568797-C-G.
Other names: c.1394C>G, p.Ala465Gly (NM_001008844.3, NM_001319034.2, NM_001406591.1); short protein forms A465G.
Identifiers: ClinVar variation 4015104 (VCV004015104.1).

ClinVar aggregate classification (germline): Uncertain significance (1 of 4 stars; one submission).

Conditions:
Cardiovascular phenotype. Identifiers: MedGen CN230736.

Submission:

Ambry Genetics
Classification: Uncertain significance for Cardiovascular phenotype. Last evaluated: 2025-05-18. Review status: criteria provided, single submitter. Criteria: Ambry Variant Classification Scheme 2023. Collection method: clinical testing. Allele origin: germline.
Comment: The p.A465G variant (also known as c.1394C>G), located in coding exon 11 of the DSP gene, results from a C to G substitution at nucleotide position 1394. The alanine at codon 465 is replaced by glycine, an amino acid with similar properties. This amino acid position is conserved. In addition, this alteration is predicted to be deleterious by in silico analysis. Based on the available evidence, the clinical significance of this variant remains unclear.